The following is an entry in ClinVar:

NM_004655.4(AXIN2):c.1025A>T (p.Lys342Met)

Gene: AXIN2 (axin 2; minus strand). Cytogenetic location: 17q24.1.
Variant type: single nucleotide variant.
Coding change: c.1025A>T on transcript NM_004655.4 (MANE Select); coding-DNA position 1025, A replaced by T.
Protein change: p.Lys342Met; replaces lysine 342 with methionine.
Molecular consequence: missense variant.
Genome position (GRCh38, 1-based): chr17:65,541,489, T>A on the plus strand (A>T on the coding strand, the complement: AXIN2 is on the minus strand). VCF-style: chr17-65541489-T-A. GRCh37 (hg19) VCF-style: chr17-63537607-T-A.
Other names: c.1025A>T (LRG_296t1); c.1025A>T, p.Lys342Met (NM_001363813.1); short protein forms K342M.
Identifiers: ClinVar variation 464512 (VCV000464512.11), dbSNP rs1555579332, ClinGen allele CA400679190.
Genomic context (GRCh38, chr17:65,541,489, plus strand): 5'-GTCTCCTCACTCCAGACTGTACTCACCGGGAAATGAGGTAGAGACACTTGGCCATTGGCC[T>A]TCACACTGCGATGCATTTCTCTCTGGAGCTGTTTCTTACTGCCCACACGATAAGGAGGAA-3'
Protein context (NP_004646.3, residues 332-352): QLQREMHRSV[Lys342Met]ANGQVSLPHF

ClinVar aggregate classification (germline): Uncertain significance. Review status: criteria provided, multiple submitters, no conflicts (2 of 4 stars). 2 submissions from 2 submitters: Uncertain significance (2). Last evaluated 2024-01-05.

Conditions:
Oligodontia-cancer predisposition syndrome. Also called: TOOTH AGENESIS-COLORECTAL CANCER SYNDROME. Identifiers: Orphanet 300576, MedGen C1837750, MONDO:0012075, OMIM 608615. Disease mechanism: loss of function.
Hereditary cancer-predisposing syndrome. Also called: Neoplastic Syndromes, Hereditary; Tumor predisposition; Hereditary Cancer Syndrome; Hereditary neoplastic syndrome. Identifiers: Orphanet 140162, MedGen C0027672, MeSH D009386, MONDO:0015356.

Allele frequency attached by ClinVar (database versions not stated): gnomAD exomes below 0.00001.
gnomAD v4.1: 3 of 1,614,184 alleles (0.00019%); highest among the groups gnomAD compares: Non-Finnish European, 0.00025%; no homozygotes.

Submissions (2):

Ambry Genetics
Classification: Uncertain significance for Hereditary cancer-predisposing syndrome. Last evaluated: 2024-01-05. Review status: criteria provided, single submitter. Criteria: Ambry Variant Classification Scheme 2023. Collection method: clinical testing. Allele origin: germline.
Comment: The p.K342M variant (also known as c.1025A>T), located in coding exon 3 of the AXIN2 gene, results from an A to T substitution at nucleotide position 1025. The lysine at codon 342 is replaced by methionine, an amino acid with similar properties. This amino acid position is conserved. In addition, the in silico prediction for this alteration is inconclusive. Since supporting evidence is limited at this time, the clinical significance of this alteration remains unclear.

Labcorp Genetics (formerly Invitae), Labcorp
Classification: Uncertain significance for Oligodontia-cancer predisposition syndrome. Last evaluated: 2023-01-18. Review status: criteria provided, single submitter. Criteria: Invitae Variant Classification Sherloc (09022015). Collection method: clinical testing. Allele origin: germline.
Comment: In summary, the available evidence is currently insufficient to determine the role of this variant in disease. Therefore, it has been classified as a Variant of Uncertain Significance. Advanced modeling of protein sequence and biophysical properties (such as structural, functional, and spatial information, amino acid conservation, physicochemical variation, residue mobility, and thermodynamic stability) performed at Invitae indicates that this missense variant is not expected to disrupt AXIN2 protein function. ClinVar contains an entry for this variant (Variation ID: 464512). This variant has not been reported in the literature in individuals affected with AXIN2-related conditions. This variant is not present in population databases (gnomAD no frequency). This sequence change replaces lysine, which is basic and polar, with methionine, which is neutral and non-polar, at codon 342 of the AXIN2 protein (p.Lys342Met).